The following is an entry in ClinVar:

NM_001330260.2(SCN8A):c.4305G>C (p.Glu1435Asp)

Gene: SCN8A (sodium voltage-gated channel alpha subunit 8; plus strand). Cytogenetic location: 12q13.13.
Variant type: single nucleotide variant.
Coding change: c.4305G>C on transcript NM_001330260.2 (MANE Select); coding-DNA position 4305, G replaced by C.
Protein change: p.Glu1435Asp; replaces glutamic acid 1435 with aspartic acid.
Molecular consequence: missense variant.
Genome position (GRCh38, 1-based): chr12:51,789,304, G>C. VCF-style: chr12-51789304-G-C. GRCh37 (hg19) VCF-style: chr12-52183088-G-C.
Other names: c.4182G>C, p.Glu1394Asp (NM_001177984.3, NM_001369788.1); c.4305G>C, p.Glu1435Asp (NM_014191.4); short protein forms E1394D, E1435D.
Identifiers: ClinVar variation 4076691 (VCV004076691.1).

ClinVar aggregate classification (germline): Uncertain significance (1 of 4 stars; one submission).

Submission:

GeneDx
Classification: Uncertain significance. Last evaluated: 2025-02-23. Review status: criteria provided, single submitter. Criteria: GeneDx Variant Classification Process June 2021. Collection method: clinical testing. Allele origin: germline. Affected: yes.
Comment: Not observed at significant frequency in large population cohorts (gnomAD); In silico analysis supports that this missense variant has a deleterious effect on protein structure/function; Has not been previously published as pathogenic or benign to our knowledge; This substitution is predicted to be within the extracellular loop between the S5 and S6 transmembrane segments of the third homologous domain